The following is an entry in ClinVar:

NM_206933.4(USH2A):c.651+1G>A

Gene: USH2A (usherin; minus strand). Cytogenetic location: 1q41.
Variant type: single nucleotide variant.
Coding change: c.651+1G>A on transcript NM_206933.4 (MANE Select); the canonical splice donor site of the intron after coding-DNA position 651, G replaced by A.
Molecular consequence: splice donor variant.
Genome position (GRCh38, 1-based): chr1:216,418,513, C>T on the plus strand (G>A on the coding strand, the complement: USH2A is on the minus strand). VCF-style: chr1-216418513-C-T. GRCh37 (hg19) VCF-style: chr1-216591855-C-T.
Other names: c.651+1G>A (NM_007123.6).
Identifiers: ClinVar variation 553412 (VCV000553412.18), dbSNP rs1553257761, ClinGen allele CA344902135.

ClinVar aggregate classification (germline): Pathogenic/Likely pathogenic. Review status: criteria provided, multiple submitters, no conflicts (2 of 4 stars). 7 submissions from 6 submitters: Pathogenic (3); Likely pathogenic (3). 1 of the submissions does not count toward it. Last evaluated 2024-10-25.

Conditions:
Usher syndrome. Also called: Usher Syndromes; Usher's syndrome. Identifiers: Orphanet 886, MedGen CN469326, MeSH D052245, MONDO:0019501. Disease mechanism: loss of function.
USH2A-related disorder. Also called: USH2A-related disorders; USH2A-related condition. Identifiers: MedGen CN239332.
Usher syndrome type 2A. Also called: RETINAL DISEASE IN USHER SYNDROME TYPE IIA, MODIFIER OF; USHER SYNDROME, TYPE IIA. Identifiers: Orphanet 231178, Orphanet 886, MedGen C1848634, MONDO:0010169, OMIM 276901.
Retinitis pigmentosa 39 (RP39). Identifiers: Orphanet 791, MedGen C3151138, MONDO:0013436, OMIM 613809.

Allele frequency attached by ClinVar (database versions not stated): gnomAD exomes below 0.00001.
gnomAD v4.1: 2 of 1,612,750 alleles (0.00012%); highest among the groups gnomAD compares: Non-Finnish European, 0.00017%; no homozygotes.

Submissions (7):

Natera, Inc.
Classification: Pathogenic for Usher syndrome type 2A. Last evaluated: 2024-10-25. Review status: criteria provided, single submitter. Criteria: Natera Variant Classification Schema (03/2026). Collection method: clinical testing. Allele origin: germline.
Comment: The c.651+1G>A variant in USH2A is a canonical splice donor site variant predicted to affect pre-mRNA splicing, which may result in an abnormal transcript and altered protein product. This variant is expected to result in nonsense mediated decay, truncation, or a dysfunctional protein product. This variant is rare in the general population with a frequency below the threshold expected for the associated phenotype(s). This variant has been observed in one or more individuals affected with the associated recessive disease, as either homozygous or compound heterozygous with a second variant (PMID: 38219857, 34948090, 22135276). Given the available evidence, this variant is classified as Pathogenic.

Labcorp Genetics (formerly Invitae), Labcorp
Classification: Pathogenic. Last evaluated: 2023-11-27. Review status: criteria provided, single submitter. Criteria: Invitae Variant Classification Sherloc (09022015). Collection method: clinical testing. Allele origin: germline.
Comment: This sequence change affects a donor splice site in intron 3 of the USH2A gene. It is expected to disrupt RNA splicing. Variants that disrupt the donor or acceptor splice site typically lead to a loss of protein function (PMID: 16199547), and loss-of-function variants in USH2A are known to be pathogenic (PMID: 10729113, 10909849, 20507924, 25649381). This variant is not present in population databases (gnomAD no frequency). Disruption of this splice site has been observed in individuals with Usher syndrome (PMID: 22135276, 34948090). ClinVar contains an entry for this variant (Variation ID: 553412). Algorithms developed to predict the effect of sequence changes on RNA splicing suggest that this variant may disrupt the consensus splice site. For these reasons, this variant has been classified as Pathogenic.

Women's Health and Genetics/Laboratory Corporation of America, LabCorp
Classification: Likely pathogenic for Usher syndrome. Last evaluated: 2023-07-19. Review status: criteria provided, single submitter. Criteria: LabCorp Variant Classification Summary - May 2015. Collection method: clinical testing. Allele origin: germline.
Comment: Variant summary: USH2A c.651+1G>A is located in a canonical splice-site and is predicted to affect mRNA splicing resulting in a significantly altered protein due to either exon skipping, shortening, or inclusion of intronic material. Several computational tools predict a significant impact on normal splicing: Four predict the variant abolishes a 5' splicing donor site. However, these predictions have yet to be confirmed by functional studies. The variant was absent in 250564 control chromosomes. c.651+1G>A has been reported in the literature in compound heterozygous individuals affected with Usher Syndrome (e.g. Stabej_2012, Mansard_2021). These data indicate that the variant may be associated with disease. To our knowledge, no experimental evidence demonstrating an impact on protein function has been reported. The following publications have been ascertained in the context of this evaluation (PMID: 34948090, 22135276). Two submitters have cited clinical-significance assessments for this variant to ClinVar after 2014. All submitters classified the variant as likely pathogenic. Based on the evidence outlined above, the variant was classified as likely pathogenic.

Genome-Nilou Lab
Classification: Likely pathogenic for Retinitis pigmentosa 39. Last evaluated: 2023-04-11. Review status: criteria provided, single submitter. Criteria: ACMG Guidelines, 2015. Collection method: clinical testing. Allele origin: germline. Affected: no.

Genome-Nilou Lab
Classification: Likely pathogenic for Usher syndrome type 2A. Last evaluated: 2023-04-11. Review status: criteria provided, single submitter. Criteria: ACMG Guidelines, 2015. Collection method: clinical testing. Allele origin: germline. Affected: no.

Blueprint Genetics
Classification: Pathogenic for USH2A-related disorders. Last evaluated: 2022-01-24. Review status: criteria provided, single submitter. Criteria: ACMG Guidelines, 2015. Collection method: clinical testing. Allele origin: germline. Affected: yes. Observed: 3 variant alleles.

Counsyl
Classification: Likely pathogenic for Usher syndrome type 2A; Retinitis pigmentosa 39. Last evaluated: 2017-08-24. Review status: no assertion criteria provided. Collection method: clinical testing. Allele origin: unknown. Not counted in ClinVar's aggregate classification.

Literature cited by the submitters: PubMed 38219857 (cited by Natera, Inc.); PubMed 34948090 (cited by 3 submitters); PubMed 22135276 (cited by 4 submitters); PubMed 16199547 (cited by Labcorp Genetics (formerly Invitae), Labcorp); PubMed 10729113 (cited by Labcorp Genetics (formerly Invitae), Labcorp); PubMed 10909849 (cited by Labcorp Genetics (formerly Invitae), Labcorp); PubMed 20507924 (cited by Labcorp Genetics (formerly Invitae), Labcorp); PubMed 25649381 (cited by Labcorp Genetics (formerly Invitae), Labcorp).